The following is an entry in ClinVar:

ClinVar aggregate classification (germline): Uncertain significance (1 of 4 stars; one submission).

Conditions:
Andersen Tawil syndrome (LQT7). Also called: Andersen Syndrome; LONG QT SYNDROME 7; ANDERSEN CARDIODYSRHYTHMIC PERIODIC PARALYSIS; PERIODIC PARALYSIS, POTASSIUM-SENSITIVE CARDIODYSRHYTHMIC TYPE; Potassium-sensitive periodic paralysis, ventricular ectopy, and dysmorphic features. Identifiers: Orphanet 37553, MedGen C1563715, MONDO:0008222, OMIM 170390.
Short QT syndrome type 3. Identifiers: Orphanet 51083, MedGen C1865018, MONDO:0012314, OMIM 609622.

Submission:

Labcorp Genetics (formerly Invitae), Labcorp
Classification: Uncertain significance for Short QT syndrome type 3; Andersen Tawil syndrome. Last evaluated: 2023-10-13. Review status: criteria provided, single submitter. Criteria: Invitae Variant Classification Sherloc (09022015). Collection method: clinical testing. Allele origin: germline.
Comment: This sequence change replaces alanine, which is neutral and non-polar, with threonine, which is neutral and polar, at codon 132 of the KCNJ2 protein (p.Ala132Thr). This variant is not present in population databases (gnomAD no frequency). This variant has not been reported in the literature in individuals affected with KCNJ2-related conditions. ClinVar contains an entry for this variant (Variation ID: 943817). Advanced modeling of protein sequence and biophysical properties (such as structural, functional, and spatial information, amino acid conservation, physicochemical variation, residue mobility, and thermodynamic stability) has been performed at Invitae for this missense variant, however the output from this modeling did not meet the statistical confidence thresholds required to predict the impact of this variant on KCNJ2 protein function. In summary, the available evidence is currently insufficient to determine the role of this variant in disease. Therefore, it has been classified as a Variant of Uncertain Significance.

NM_000891.3(KCNJ2):c.394G>A (p.Ala132Thr)

Gene: KCNJ2 (potassium inwardly rectifying channel subfamily J member 2; plus strand). Cytogenetic location: 17q24.3.
Variant type: single nucleotide variant.
Coding change: c.394G>A on transcript NM_000891.3 (MANE Select); coding-DNA position 394, G replaced by A.
Protein change: p.Ala132Thr; replaces alanine 132 with threonine.
Molecular consequence: missense variant.
Genome position (GRCh38, 1-based): chr17:70,175,433, G>A. VCF-style: chr17-70175433-G-A. GRCh37 (hg19) VCF-style: chr17-68171574-G-A.
Other names: short protein forms A132T.
Identifiers: ClinVar variation 943817 (VCV000943817.9), dbSNP rs2074386902, ClinGen allele CA400860502.